The following is an entry in ClinVar:

NM_019098.5(CNGB3):c.2164G>C (p.Glu722Gln)

Gene: CNGB3 (cyclic nucleotide gated channel subunit beta 3; minus strand). Cytogenetic location: 8q21.3.
Variant type: single nucleotide variant.
Coding change: c.2164G>C on transcript NM_019098.5 (MANE Select); coding-DNA position 2164, G replaced by C.
Protein change: p.Glu722Gln; replaces glutamic acid 722 with glutamine.
Molecular consequence: missense variant.
Genome position (GRCh38, 1-based): chr8:86,576,070, C>G on the plus strand (G>C on the coding strand, the complement: CNGB3 is on the minus strand). VCF-style: chr8-86576070-C-G. GRCh37 (hg19) VCF-style: chr8-87588298-C-G.
Other names: short protein forms E722Q.
Identifiers: ClinVar variation 2001408 (VCV002001408.4), dbSNP rs1178410869, ClinGen allele CA371446533.
Genomic context (GRCh38, chr8:86,576,070, plus strand): 5'-TATCTTTATCTTCATTTTCTTTTCCTTTATCTTCATTTTCTTTTTGTTTATCTTCATTTT[C>G]TTTTTGTTTATCTTCATTTTCTTTTCCTTCTTCCTCTCCTCCTTCAGAATTTTCTTTCTT-3'
Protein context (NP_061971.3, residues 712-732): EGKENEDKQK[Glu722Gln]NEDKQKENED

ClinVar aggregate classification (germline): Uncertain significance (1 of 4 stars; one submission).

Allele frequency attached by ClinVar (database versions not stated): TOPMed below 0.00001.

Submission:

Labcorp Genetics (formerly Invitae), Labcorp
Classification: Uncertain significance. Last evaluated: 2022-11-03. Review status: criteria provided, single submitter. Criteria: Invitae Variant Classification Sherloc (09022015). Collection method: clinical testing. Allele origin: germline.
Comment: In summary, the available evidence is currently insufficient to determine the role of this variant in disease. Therefore, it has been classified as a Variant of Uncertain Significance. Advanced modeling of protein sequence and biophysical properties (such as structural, functional, and spatial information, amino acid conservation, physicochemical variation, residue mobility, and thermodynamic stability) performed at Invitae indicates that this missense variant is not expected to disrupt CNGB3 protein function. This variant has not been reported in the literature in individuals affected with CNGB3-related conditions. This variant is not present in population databases (gnomAD no frequency). This sequence change replaces glutamic acid, which is acidic and polar, with glutamine, which is neutral and polar, at codon 722 of the CNGB3 protein (p.Glu722Gln).